The following is an entry in ClinVar:

NM_001267550.2(TTN):c.63546dup (p.Leu21183fs)

Genes: TTN (titin; minus strand), TTN-AS1 (TTN antisense RNA 1; plus strand). Cytogenetic location: 2q31.2.
Variant type: Duplication.
Coding change: c.63546dup on transcript NM_001267550.2 (MANE Select); coding-DNA position 63546, one base duplicated (A; older notation c.63546dupA).
Protein change: p.Leu21183fs; shifts the reading frame from leucine 21183.
Molecular consequence: frameshift variant.
Genome position (GRCh38, 1-based): chr2:178,587,763, T duplicated on the plus strand (A on the coding strand, the reverse complement: TTN is on the minus strand); the first of 3 consecutive T bases (chr2:178,587,763-178,587,765); duplicating any one gives the same sequence. VCF-style (leftmost placement, unchanged base first): chr2-178587762-G-GT. GRCh37 (hg19) VCF-style: chr2-179452489-G-GT.
Other names: c.58623dup, p.Leu19542fs (NM_001256850.1); c.36351dup, p.Leu12118fs (NM_003319.4); c.55842dup, p.Leu18615fs (NM_133378.4); c.36726dup, p.Leu12243fs (NM_133432.3); c.36927dup, p.Leu12310fs (NM_133437.4); short protein forms L18615fs, L21183fs, L12243fs, L12310fs, L12118fs, L19542fs.
Identifiers: ClinVar variation 2948637 (VCV002948637.3), dbSNP rs2469308872, ClinGen allele CA2740096071.

ClinVar aggregate classification (germline): Likely pathogenic (1 of 4 stars; one submission).

Conditions:
Dilated cardiomyopathy 1G (CMD1G). Identifiers: Orphanet 154, MedGen C1858763, MONDO:0011400, OMIM 604145.
Autosomal recessive limb-girdle muscular dystrophy type 2J (LGMDR10). Also called: Limb-girdle muscular dystrophy, type 2J; MUSCULAR DYSTROPHY, LIMB-GIRDLE, AUTOSOMAL RECESSIVE 10. Identifiers: Orphanet 140922, MedGen C1837342, MONDO:0012127, OMIM 608807.

Submission:

Labcorp Genetics (formerly Invitae), Labcorp
Classification: Likely pathogenic for Dilated cardiomyopathy 1G; Autosomal recessive limb-girdle muscular dystrophy type 2J. Last evaluated: 2025-04-23. Review status: criteria provided, single submitter. Criteria: Invitae Variant Classification Sherloc (09022015). Collection method: clinical testing. Allele origin: germline.
Comment: This sequence change creates a premature translational stop signal (p.Leu21183Thrfs*23) in the TTN gene. While this is not anticipated to result in nonsense mediated decay, it is expected to create a truncated TTN protein. This variant is not present in population databases (gnomAD no frequency). This variant has not been reported in the literature in individuals affected with TTN-related conditions. ClinVar contains an entry for this variant (Variation ID: 2948637). This variant is located in the A band of TTN (PMID: 25589632). Truncating variants in this region are significantly overrepresented in patients affected with dilated cardiomyopathy (PMID: 25589632). Truncating variants in this region have also been reported in individuals affected with autosomal recessive centronuclear myopathy (PMID: 23975875). In summary, the currently available evidence indicates that the variant is pathogenic, but additional data are needed to prove that conclusively. Therefore, this variant has been classified as Likely Pathogenic.

Literature cited by the submitters: PubMed 25589632; PubMed 23975875.